The following is an entry in ClinVar:

NM_000059.4(BRCA2):c.9200_9201insCT (p.Ser3068fs)

Gene: BRCA2 (BRCA2 DNA repair associated; plus strand). Cytogenetic location: 13q13.1.
Variant type: Insertion.
Coding change: c.9200_9201insCT on transcript NM_000059.4 (MANE Select); coding-DNA positions 9200 to 9201, CT inserted.
Protein change: p.Ser3068fs; shifts the reading frame from serine 3068.
Molecular consequence: frameshift variant.
Genome position: GRCh38 VCF-style: chr13-32380089-C-CCT. GRCh37 (hg19) VCF-style: chr13-32954226-C-CCT.
Other names: short protein forms S3068fs.
Identifiers: ClinVar variation 1075051 (VCV001075051.8), dbSNP rs2137625334, ClinGen allele CA2499222370.
Genomic context (GRCh38, chr13:32,380,089, plus strand): 5'-AGATTTACCAGCCACGGGAGCCCCTTCACTTCAGCAAATTTTTAGATCCAGACTTTCAGC[C>CCT]ATCTTGTTCTGAGGTGGACCTAATAGGATTTGTCGTTTCTGTTGTGAAAAAAACAGGTAA-3'

ClinVar aggregate classification (germline): Pathogenic. Review status: criteria provided, multiple submitters, no conflicts (2 of 4 stars). 2 submissions from 2 submitters: Pathogenic (2). Last evaluated 2024-11-07.

Conditions:
BRCA2-related disorder. Also called: BRCA2-related condition; BRCA2-related disorders. Identifiers: MedGen CN239275.
Hereditary breast ovarian cancer syndrome. Also called: Hereditary breast and ovarian cancer; Breast and ovarian cancer; BRCA1- and BRCA2-Associated Hereditary Breast and Ovarian Cancer; Hereditary breast and/or ovarian cancer syndrome; Hereditary breast and ovarian cancer syndrome; Hereditary breast and ovarian cancer syndrome (HBOC). Identifiers: Orphanet 145, MedGen C0677776, MeSH D061325, MONDO:0003582. Disease mechanism: loss of function.

Submissions (2):

3billion
Classification: Pathogenic for BRCA2-related disorder. Last evaluated: 2024-11-07. Review status: criteria provided, single submitter. Criteria: ACMG Guidelines, 2015. Collection method: clinical testing. Allele origin: germline. Affected: yes.
Comment: The variant is not observed in the gnomAD v4.1.0 dataset. Predicted Consequence/Location: Frameshift: predicted to result in a loss or disruption of normal protein function through nonsense-mediated decay (NMD) or protein truncation. Multiple pathogenic variants are reported downstream of the variant. The variant has been reported to be associated with BRCA2 related disorder (ClinVar ID: VCV001075051). Therefore, this variant is classified as Pathogenic according to the recommendation of ACMG/AMP guideline.

Labcorp Genetics (formerly Invitae), Labcorp
Classification: Pathogenic for Hereditary breast ovarian cancer syndrome. Last evaluated: 2022-10-06. Review status: criteria provided, single submitter. Criteria: Invitae Variant Classification Sherloc (09022015). Collection method: clinical testing. Allele origin: germline.
Comment: This variant is not present in population databases (gnomAD no frequency). This sequence change creates a premature translational stop signal (p.Ser3068Tyrfs*8) in the BRCA2 gene. It is expected to result in an absent or disrupted protein product. Loss-of-function variants in BRCA2 are known to be pathogenic (PMID: 20104584). This variant has not been reported in the literature in individuals affected with BRCA2-related conditions. For these reasons, this variant has been classified as Pathogenic. ClinVar contains an entry for this variant (Variation ID: 1075051).

Literature cited by the submitters: PubMed 20104584 (cited by Labcorp Genetics (formerly Invitae), Labcorp).